The following is an entry in ClinVar:

ClinVar aggregate classification (germline): Uncertain significance (1 of 4 stars; one submission).

Submission:

CeGaT Center for Human Genetics Tuebingen
Classification: Uncertain significance. Last evaluated: 2026-08-01. Review status: criteria provided, single submitter. Criteria: CeGaT Center For Human Genetics Tuebingen Variant Classification Criteria Version 2. Collection method: clinical testing. Allele origin: germline. Affected: yes. Observed: 1 variant allele.
Comment: AKAP9: PM2, BP4

NM_005751.5(AKAP9):c.6856A>G (p.Ile2286Val)

Gene: AKAP9 (A-kinase anchoring protein 9; plus strand). Cytogenetic location: 7q21.2.
Variant type: single nucleotide variant.
Coding change: c.6856A>G on transcript NM_005751.5 (MANE Select); coding-DNA position 6856, A replaced by G.
Protein change: p.Ile2286Val; replaces isoleucine 2286 with valine.
Molecular consequence: missense variant.
Genome position (GRCh38, 1-based): chr7:92,077,786, A>G. VCF-style: chr7-92077786-A-G. GRCh37 (hg19) VCF-style: chr7-91707100-A-G.
Other names: c.1501A>G, p.Ile501Val (NM_001379277.1); c.6832A>G, p.Ile2278Val (NM_147185.3); short protein forms I2278V, I2286V, I501V.
Identifiers: ClinVar variation 5040431 (VCV005040431.1).